The following is an entry in ClinVar:

NM_006231.4(POLE):c.3323A>G (p.His1108Arg)

Gene: POLE (DNA polymerase epsilon, catalytic subunit; minus strand). Cytogenetic location: 12q24.33.
Variant type: single nucleotide variant.
Coding change: c.3323A>G on transcript NM_006231.4 (MANE Select); coding-DNA position 3323, A replaced by G.
Protein change: p.His1108Arg; replaces histidine 1108 with arginine.
Molecular consequence: missense variant.
Genome position (GRCh38, 1-based): chr12:132,657,923, T>C on the plus strand (A>G on the coding strand, the complement: POLE is on the minus strand). VCF-style: chr12-132657923-T-C. GRCh37 (hg19) VCF-style: chr12-133234509-T-C.
Other names: short protein forms H1108R.
Identifiers: ClinVar variation 863177 (VCV000863177.11), dbSNP rs1411541026, ClinGen allele CA387389693.
Genomic context (GRCh38, chr12:132,657,923, plus strand): 5'-CTCACTGCTCGAATATCAAAGTCTTGAAGGGAAGAGCTCTTGAGCCATTTCCGGAGAAAG[T>C]GCTTCCTCACCGTGGGCTCTGCTTGGAAAATGGCAAGTGGGATGGCCCTGGGTAAGGAAG-3'
Protein context (NP_006222.2, residues 1098-1118): IFQAEPTVRK[His1108Arg]FLRKWLKSSS

ClinVar aggregate classification (germline): Uncertain significance. Review status: criteria provided, multiple submitters, no conflicts (2 of 4 stars). 2 submissions from 2 submitters: Uncertain significance (2). Last evaluated 2025-08-22.

Conditions:
Hereditary cancer-predisposing syndrome. Also called: Hereditary Cancer Syndrome; Tumor predisposition; Neoplastic Syndromes, Hereditary; Hereditary neoplastic syndrome. Identifiers: Orphanet 140162, MedGen C0027672, MeSH D009386, MONDO:0015356.

Allele frequency attached by ClinVar (database versions not stated): gnomAD exomes below 0.00001.
gnomAD v4.1: 1 of 1,614,184 alleles (0.000062%); highest among the groups gnomAD compares: South Asian, 0.0011%; no homozygotes.

Submissions (2):

Ambry Genetics
Classification: Uncertain significance for Hereditary cancer-predisposing syndrome. Last evaluated: 2025-08-22. Review status: criteria provided, single submitter. Criteria: Ambry Variant Classification Scheme 2023. Collection method: clinical testing. Allele origin: germline.
Comment: The p.H1108R variant (also known as c.3323A>G), located in coding exon 27 of the POLE gene, results from an A to G substitution at nucleotide position 3323. The histidine at codon 1108 is replaced by arginine, an amino acid with highly similar properties. This amino acid position is conserved. In addition, the in silico prediction for this alteration is inconclusive. Since supporting evidence is limited at this time, the clinical significance of this alteration remains unclear.

Labcorp Genetics (formerly Invitae), Labcorp
Classification: Uncertain significance. Last evaluated: 2021-08-28. Review status: criteria provided, single submitter. Criteria: Invitae Variant Classification Sherloc (09022015). Collection method: clinical testing. Allele origin: germline.
Comment: Algorithms developed to predict the effect of missense changes on protein structure and function are either unavailable or do not agree on the potential impact of this missense change (SIFT: "Deleterious"; PolyPhen-2: "Probably Damaging"; Align-GVGD: "Class C0"). This sequence change replaces histidine with arginine at codon 1108 of the POLE protein (p.His1108Arg). The histidine residue is highly conserved and there is a small physicochemical difference between histidine and arginine. This variant is not present in population databases (ExAC no frequency). This variant has not been reported in the literature in individuals affected with POLE-related conditions. In summary, the available evidence is currently insufficient to determine the role of this variant in disease. Therefore, it has been classified as a Variant of Uncertain Significance.